The following is an entry in ClinVar:

NM_001123396.4(CCR2):c.129A>C (p.Gln43His)

Gene: CCR2 (C-C motif chemokine receptor 2; plus strand). Cytogenetic location: 3p21.31.
Variant type: single nucleotide variant.
Coding change: c.129A>C on transcript NM_001123396.4 (MANE Select); coding-DNA position 129, A replaced by C.
Protein change: p.Gln43His; replaces glutamine 43 with histidine.
Molecular consequence: missense variant.
Genome position (GRCh38, 1-based): chr3:46,357,656, A>C. VCF-style: chr3-46357656-A-C. GRCh37 (hg19) VCF-style: chr3-46399147-A-C.
Other names: c.129A>C, p.Gln43His (NM_001123041.3); short protein forms Q43H.
Identifiers: ClinVar variation 4855844 (VCV004855844.1).

ClinVar aggregate classification (germline): Uncertain significance (1 of 4 stars; one submission).

Conditions:
Cystic disease of lung (PCLUD). Identifiers: MedGen C1384901, MONDO:0009060, OMIM 219600.

Submission:

3billion
Classification: Uncertain significance for Cystic disease of lung. Last evaluated: 2025-10-29. Review status: criteria provided, single submitter. Criteria: ACMG Guidelines, 2015. Collection method: clinical testing. Allele origin: germline. Affected: yes.
Comment: The variant is observed at an extremely low frequency in the gnomAD v4.1.0 dataset (total allele frequency: <0.001%). Predicted Consequence/Location: Missense variant. Missense changes are a common disease-causing mechanism. In silico tool predictions suggest no damaging effect of the variant on gene or gene product [REVEL: 0.02 (<0.4); 3Cnet: 0.03 (<0.1, specificity 0.84 and negative predicitive value 0.97)]. Therefore, this variant is classified as VUS according to the recommendation of ACMG/AMP guideline.